The following continues an entry in ClinVar:

NM_001267550.2(TTN):c.48727C>T (p.Pro16243Ser)

ClinVar aggregate classification (germline): Conflicting classifications of pathogenicity. Uncertain significance (4); Benign (10); Likely benign (6).

Submissions 14 to 21 of 21:

Illumina Laboratory Services, Illumina
Classification: Uncertain significance for Dilated cardiomyopathy 1G. Last evaluated: 2018-01-13. Review status: criteria provided, single submitter. Criteria: ICSL Variant Classification Criteria 13 December 2019. Collection method: clinical testing. Allele origin: germline.

Center for Advanced Laboratory Medicine, UC San Diego Health, University of California San Diego
Classification: Benign for Long QT Syndrome. Last evaluated: 2017-10-25. Review status: criteria provided, single submitter. Criteria: ACMG Guidelines, 2015. Collection method: clinical testing. Allele origin: germline. Affected: yes. Observed: 2 variant alleles.

CHEO Genetics Diagnostic Laboratory, Children's Hospital of Eastern Ontario
Classification: Benign for Cardiomyopathy. Last evaluated: 2017-09-06. Review status: criteria provided, single submitter. Criteria: ACMG Guidelines, 2015. Collection method: clinical testing. Allele origin: germline. Study: Canadian Open Genetics Repository.

Eurofins Ntd Llc (ga)
Classification: Benign. Last evaluated: 2015-10-15. Review status: criteria provided, single submitter. Criteria: EGL Classification Definitions 2015. Collection method: clinical testing. Allele origin: germline. Observed: 1 variant allele, 1 heterozygote.

Ambry Genetics
Classification: Likely benign for Cardiovascular phenotype. Last evaluated: 2013-10-11. Review status: criteria provided, single submitter. Criteria: Ambry Autosomal Dominant and X-Linked criteria (10/2015). Collection method: clinical testing. Allele origin: germline. Observed: 1 variant allele.

Biesecker Lab/Clinical Genomics Section, National Institutes of Health
Classification: Likely benign. Last evaluated: 2013-06-24. Review status: criteria provided, single submitter. Criteria: Ng et al. (Circ Cardiovasc Genet. 2013). Collection method: research. Allele origin: unknown. Observed: 4 variant alleles. Study: ClinSeq.
Comment: The study set was not selected for affection status in relation to any cancer. Pathogenicity categories were based on literature curation. See Pubmed ID:23861362 for details.

Medical sequencing

Laboratory for Molecular Medicine, Mass General Brigham Personalized Medicine
Classification: Benign. Last evaluated: 2013-01-30. Review status: criteria provided, single submitter. Criteria: LMM Criteria. Collection method: clinical testing. Allele origin: germline. Inheritance: Autosomal dominant inheritance. Observed: 12 variant alleles.
Comment: Pro13675Ser in exon 209 of TTN: This variant is not expected to have clinical si gnificance because it has been identified in 0.3% (27/8278) of European American chromosomes from a broad population by the NHLBI Exome Sequencing Project, as well as in 2.7% (5/186) of Finnish chromosomes from broad population by the 1000 Genomes Project (dbSNP rs72677242).

PreventionGenetics, part of Exact Sciences
Classification: Benign for TTN-related condition. Last evaluated: 2019-05-10. Review status: no assertion criteria provided. Collection method: clinical testing. Allele origin: germline. Not counted in ClinVar's aggregate classification.
Comment: This variant is classified as benign based on ACMG/AMP sequence variant interpretation guidelines (Richards et al. 2015 PMID: 25741868, with internal and published modifications).

Literature cited by the submitters: PubMed 27930701 (cited by Mayo Clinic Laboratories, Mayo Clinic); PubMed 37091313 (cited by Practice for Gait Abnormalities, David Pomarino, Competency Network Toe Walking C/o Practice Pomarino).